The following is an entry in ClinVar:

ClinVar aggregate classification (germline): Likely pathogenic (1 of 4 stars; one submission).

Conditions:
Mucopolysaccharidosis, MPS-III-B (MPS3B). Also called: MPS IIIB (Sanfilippo Syndrome Type B); N-ACETYL-ALPHA-D-GLUCOSAMINIDASE DEFICIENCY; NAGLU DEFICIENCY; SANFILIPPO SYNDROME B; MPS III B; Mucopolysaccharidosis type IIIB (Sanfilippo B). Identifiers: Orphanet 79270, MedGen C0086648, MONDO:0009656, OMIM 252920.

Submission:

Natera, Inc.
Classification: Likely pathogenic for Mucopolysaccharidosis type IIIB. Last evaluated: 2024-12-29. Review status: criteria provided, single submitter. Criteria: Natera Variant Classification Schema (03/2026). Collection method: clinical testing. Allele origin: germline.
Comment: The c.67_71del variant in NAGLU is a frameshift variant predicted to shift the reading frame beginning at codon 23 and leads to a stop codon 167 codons downstream. This variant is expected to result in nonsense mediated decay, truncation, or a dysfunctional protein product. This variant is rare in the general population with a frequency below the threshold expected for the associated phenotype(s). Given the available evidence, this variant is classified as Likely Pathogenic.

NM_000263.4(NAGLU):c.67_71del (p.Gly23fs)

Genes: NAGLU (N-acetyl-alpha-glucosaminidase; plus strand), LOC130060903 (ATAC-STARR-seq lymphoblastoid silent region 8533; plus strand). Cytogenetic location: 17q21.2.
Variant type: Deletion.
Coding change: c.67_71del on transcript NM_000263.4 (MANE Select); coding-DNA positions 67 to 71, 5 bases deleted (GGCGA; older notation c.67_71delGGCGA).
Protein change: p.Gly23fs; shifts the reading frame from glycine 23.
Molecular consequence: frameshift variant.
Genome position (GRCh38, 1-based): chr17:42,536,339-42,536,343, GGCGA deleted; deleting any 5 consecutive bases within chr17:42,536,338-42,536,343 gives the same sequence; the c. name uses the placement nearest the transcript's 3' end. VCF-style (leftmost placement, unchanged base first): chr17-42536337-CAGGCG-C. GRCh37 (hg19) VCF-style: chr17-40688355-CAGGCG-C.
Other names: short protein forms G23fs.
Identifiers: ClinVar variation 4818042 (VCV004818042.1).